The following is an entry in ClinVar:

ClinVar aggregate classification (germline): Uncertain significance (1 of 4 stars; one submission).

Submission:

Genetic Services Laboratory, University of Chicago
Classification: Uncertain significance. Last evaluated: 2021-01-06. Review status: criteria provided, single submitter. Criteria: ACMG Guidelines, 2015. Collection method: clinical testing. Allele origin: germline. Affected: no.
Comment: DNA sequence analysis of the FANCD2 gene demonstrated a sequence change, c.1445G>T, in exon 17 that results in an amino acid change, p.Cys482Phe. This sequence change does not appear to have been previously described in individuals with FANCD2-related disorders and has been described in the gnomAD database in one individual with an overall population frequency of 0.0004% (dbSNP rs1265964420). The p.Cys482Phe change affects a highly conserved amino acid residue located in a domain of the FANCD2 protein that is known to be functional. The p.Cys482Phe substitution appears to be deleterious using several in-silico pathogenicity prediction tools (SIFT, PolyPhen2, Align GVGD, REVEL). Due to these contrasting evidences and the lack of functional studies, the clinical significance of the p.Cys482Phe change remains unknown at this time.

NM_001018115.3(FANCD2):c.1445G>T (p.Cys482Phe)

Genes: FANCD2 (FA complementation group D2; plus strand), LOC107303338 (3p25 FANCD2 Alu-mediated recombination region; plus strand). Cytogenetic location: 3p25.3.
Variant type: single nucleotide variant.
Coding change: c.1445G>T on transcript NM_001018115.3 (MANE Select); coding-DNA position 1445, G replaced by T.
Protein change: p.Cys482Phe; replaces cysteine 482 with phenylalanine.
Molecular consequence: missense variant.
Genome position (GRCh38, 1-based): chr3:10,049,405, G>T. VCF-style: chr3-10049405-G-T. GRCh37 (hg19) VCF-style: chr3-10091089-G-T.
Other names: c.1445G>T, p.Cys482Phe (NM_001319984.2, NM_001374253.1, NM_001374254.1 and 1 more transcripts); short protein forms C482F.
Identifiers: ClinVar variation 1337811 (VCV001337811.4), dbSNP rs1265964420, ClinGen allele CA351737435.